The following is an entry in ClinVar:

NM_020822.3(KCNT1):c.62G>A (p.Gly21Asp)

Gene: KCNT1 (potassium sodium-activated channel subfamily T member 1; plus strand). Cytogenetic location: 9q34.3.
Variant type: single nucleotide variant.
Coding change: c.62G>A on transcript NM_020822.3 (MANE Select); coding-DNA position 62, G replaced by A.
Protein change: p.Gly21Asp; replaces glycine 21 with aspartic acid.
Molecular consequence: missense variant.
Genome position (GRCh38, 1-based): chr9:135,702,320, G>A. VCF-style: chr9-135702320-G-A. GRCh37 (hg19) VCF-style: chr9-138594166-G-A.
Other names: c.62G>A, p.Gly21Asp (NM_001272003.2); short protein forms G21D.
Identifiers: ClinVar variation 540584 (VCV000540584.9), dbSNP rs368870705, ClinGen allele CA375492591.

ClinVar aggregate classification (germline): Uncertain significance (1 of 4 stars; one submission).

Conditions:
Autosomal dominant nocturnal frontal lobe epilepsy 5. Also called: Epilepsy, nocturnal frontal lobe, 5; KCNT1-Related Epilepsy; CILIARY DYSKINESIA, PRIMARY, 28, WITHOUT SITUS INVERSUS; CILIARY DYSKINESIA, PRIMARY, 28, WITH SITUS INVERSUS. Identifiers: Orphanet 98784, MedGen C3554306, MONDO:0014002, OMIM 615005.
Developmental and epileptic encephalopathy, 14 (DEE14). Also called: Early infantile epileptic encephalopathy 14. Identifiers: Orphanet 293181, MedGen C3554195, MONDO:0013989, OMIM 614959.

Submission:

Labcorp Genetics (formerly Invitae), Labcorp
Classification: Uncertain significance for Autosomal dominant nocturnal frontal lobe epilepsy 5; Developmental and epileptic encephalopathy, 14. Last evaluated: 2017-10-07. Review status: criteria provided, single submitter. Criteria: Invitae Variant Classification Sherloc (09022015). Collection method: clinical testing. Allele origin: germline.
Comment: This sequence change replaces glycine with aspartic acid at codon 21 of the KCNT1 protein (p.Gly21Asp). The glycine residue is weakly conserved and there is a moderate physicochemical difference between glycine and aspartic acid. This variant is not present in population databases (ExAC no frequency). This variant has not been reported in the literature in individuals with KCNT1-related disease. Algorithms developed to predict the effect of missense changes on protein structure and function (SIFT, PolyPhen-2, Align-GVGD) all suggest that this variant is likely to be tolerated, but these predictions have not been confirmed by published functional studies and their clinical significance is uncertain. In summary, the available evidence is currently insufficient to determine the role of this variant in disease. Therefore, it has been classified as a Variant of Uncertain Significance.